The following is an entry in ClinVar:

ClinVar aggregate classification (germline): Benign (1 of 4 stars; one submission).

Conditions:
Lynch syndrome 4 (LYNCH4). Also called: Colorectal cancer, hereditary nonpolyposis, type 4; Hereditary non-polyposis colorectal cancer, type 4. Identifiers: Orphanet 144, MedGen C1838333, MONDO:0013699, OMIM 614337. Disease mechanism: loss of function.

Submission:

Myriad Genetics, Inc.
Classification: Benign for Lynch syndrome 4. Last evaluated: 2025-01-28. Review status: criteria provided, single submitter. Criteria: Myriad Autosomal Dominant, Autosomal Recessive and X-Linked Classification Criteria (2023). Collection method: clinical testing. Allele origin: unknown.
Comment: This variant is considered benign. This variant is intronic and is not expected to impact mRNA splicing.

NM_000535.7(PMS2):c.804-52_804-50delinsAGAATGTGATCGTATTAGAA

Gene: PMS2 (PMS1 homolog 2, mismatch repair system component; minus strand). Cytogenetic location: 7p22.1.
Variant type: Indel.
Coding change: c.804-52_804-50delinsAGAATGTGATCGTATTAGAA on transcript NM_000535.7 (MANE Select); 52 bases into the intron before coding-DNA position 804 through 50 bases into the intron before coding-DNA position 804, TCT replaced by AGAATGTGATCGTATTAGAA.
Molecular consequence: intron variant.
Genome position (GRCh38, 1-based): chr7:5,995,683-5,995,685, AGA replaced by TTCTAATACGATCACATTCT on the plus strand (TCT replaced by AGAATGTGATCGTATTAGAA on the coding strand, the reverse complement: PMS2 is on the minus strand). VCF-style: chr7-5995683-AGA-TTCTAATACGATCACATTCT. GRCh37 (hg19) VCF-style: chr7-6035314-AGA-TTCTAATACGATCACATTCT.
Other names: c.495-52_495-50delinsAGAATGTGATCGTATTAGAA (NM_001406882.1, NM_001406875.1, NM_001406877.1 and 6 more transcripts); c.486-52_486-50delinsAGAATGTGATCGTATTAGAA (NM_001322008.2, NM_001406902.1, NM_001406883.1 and 4 more transcripts); c.399-52_399-50delinsAGAATGTGATCGTATTAGAA (NM_001406895.1, NM_001322010.2, NM_001322004.2 and 19 more transcripts); c.133-3628_133-3626delinsAGAATGTGATCGTATTAGAA (NM_001406911.1); c.291-52_291-50delinsAGAATGTGATCGTATTAGAA (NM_001406904.1, NM_001406905.1); c.231-52_231-50delinsAGAATGTGATCGTATTAGAA (NM_001322013.2, NM_001406909.1); c.-130-52_-130-50delinsAGAATGTGATCGTATTAGAA (NM_001322012.2, NM_001322011.2); c.468-52_468-50delinsAGAATGTGATCGTATTAGAA (NM_001406885.1); and 8 more.
Identifiers: ClinVar variation 3904490 (VCV003904490.1).